The following is an entry in ClinVar:

ClinVar aggregate classification (germline): Likely pathogenic (1 of 4 stars; one submission).

Conditions:
Primary ciliary dyskinesia. Also called: Ciliary dyskinesia. Identifiers: Orphanet 244, MedGen C0008780, MONDO:0016575, HP:0012265.

Submission:

Labcorp Genetics (formerly Invitae), Labcorp
Classification: Likely pathogenic for Primary ciliary dyskinesia. Last evaluated: 2023-04-29. Review status: criteria provided, single submitter. Criteria: Invitae Variant Classification Sherloc (09022015). Collection method: clinical testing. Allele origin: germline.
Comment: In summary, the currently available evidence indicates that the variant is pathogenic, but additional data are needed to prove that conclusively. Therefore, this variant has been classified as Likely Pathogenic. Algorithms developed to predict the effect of sequence changes on RNA splicing suggest that this variant may disrupt the consensus splice site. This variant has not been reported in the literature in individuals affected with DNAH11-related conditions. This variant is not present in population databases (gnomAD no frequency). This sequence change affects an acceptor splice site in intron 53 of the DNAH11 gene. It is expected to disrupt RNA splicing. Variants that disrupt the donor or acceptor splice site typically lead to a loss of protein function (PMID: 16199547), and loss-of-function variants in DNAH11 are known to be pathogenic (PMID: 18022865, 20513915, 22184204).

Literature cited by the submitters: PubMed 16199547; PubMed 18022865; PubMed 20513915; PubMed 22184204.

NM_001277115.2(DNAH11):c.8798-1G>A

Gene: DNAH11 (dynein axonemal heavy chain 11; plus strand). Cytogenetic location: 7p15.3.
Variant type: single nucleotide variant.
Coding change: c.8798-1G>A on transcript NM_001277115.2 (MANE Select); the canonical splice acceptor site of the intron before coding-DNA position 8798, G replaced by A.
Molecular consequence: splice acceptor variant.
Genome position (GRCh38, 1-based): chr7:21,750,221, G>A. VCF-style: chr7-21750221-G-A. GRCh37 (hg19) VCF-style: chr7-21789839-G-A.
Identifiers: ClinVar variation 2860619 (VCV002860619.3), dbSNP rs1282229623, ClinGen allele CA366955950.
Genomic context (GRCh38, chr7:21,750,221, plus strand): 5'-GTTATATGTAAAATTTAAATTGCAATGATCTTTTAGTAATTCTACTCATTCTTTGGGGCA[G>A]GAGAAATCCCAGATCTGTTCAGCGATGAAGATGTGGACAAGATAATTTCTGGAATTCATA-3'